The following is an entry in ClinVar:

NM_000214.3(JAG1):c.1806_1812del (p.Gly603fs)

Gene: JAG1 (jagged canonical Notch ligand 1; minus strand). Cytogenetic location: 20p12.2.
Variant type: Deletion.
Coding change: c.1806_1812del on transcript NM_000214.3 (MANE Select); coding-DNA positions 1806 to 1812, 7 bases deleted (CGGGAAG; older notation c.1806_1812delCGGGAAG).
Protein change: p.Gly603fs; shifts the reading frame from glycine 603.
Molecular consequence: frameshift variant.
Genome position (GRCh38, 1-based): chr20:10,647,012-10,647,018, CTTCCCG deleted on the plus strand (CGGGAAG on the coding strand, the reverse complement: JAG1 is on the minus strand). VCF-style (leftmost placement, unchanged base first): chr20-10647011-ACTTCCCG-A. GRCh37 (hg19) VCF-style: chr20-10627659-ACTTCCCG-A.
Other names: short protein forms G603fs.
Identifiers: ClinVar variation 3656466 (VCV003656466.2).

ClinVar aggregate classification (germline): Pathogenic (1 of 4 stars; one submission).

Conditions:
Alagille syndrome due to a JAG1 point mutation. Also called: Alagille Syndrome 1; HEPATIC DUCTULAR HYPOPLASIA, SYNDROMATIC; JAG1-Related Alagille Syndrome. Identifiers: Orphanet 261619, Orphanet 52, MedGen C1956125, MONDO:0016862, OMIM 118450.

Submission:

Labcorp Genetics (formerly Invitae), Labcorp
Classification: Pathogenic for Alagille syndrome due to a JAG1 point mutation. Last evaluated: 2024-06-12. Review status: criteria provided, single submitter. Criteria: Invitae Variant Classification Sherloc (09022015). Collection method: clinical testing. Allele origin: germline.
Comment: This sequence change creates a premature translational stop signal (p.Gly603Alafs*138) in the JAG1 gene. It is expected to result in an absent or disrupted protein product. Loss-of-function variants in JAG1 are known to be pathogenic (PMID: 11180599). This variant is not present in population databases (gnomAD no frequency). This variant has not been reported in the literature in individuals affected with JAG1-related conditions. For these reasons, this variant has been classified as Pathogenic.

Literature cited by the submitters: PubMed 11180599.